The following is an entry in ClinVar:

ClinVar aggregate classification (germline): Pathogenic/Likely pathogenic. Review status: criteria provided, multiple submitters, no conflicts (2 of 4 stars). 2 submissions from 2 submitters: Pathogenic (1); Likely pathogenic (1). Last evaluated 2018-09-24.

Conditions:
CHD7-related disorder. Also called: CHD7-related condition.

Submissions (2):

Blueprint Genetics
Classification: Likely pathogenic for CHD7-related disorders. Last evaluated: 2018-09-24. Review status: criteria provided, single submitter. Criteria: ACMG Guidelines, 2015. Collection method: clinical testing. Allele origin: de novo. Affected: yes. Observed: 1 variant allele.

GeneDx
Classification: Pathogenic. Last evaluated: 2015-09-02. Review status: criteria provided, single submitter. Criteria: GeneDx Variant Classification (06012015). Collection method: clinical testing. Allele origin: germline. Affected: yes.
Comment: The G321X nonsense variant (c.961_962delGGinsTA) in the CHD7 gene has not been reportedpreviously to our knowledge. It is predicted to cause loss of normal protein function either through proteintruncation or nonsense-mediated mRNA decay. Therefore, we interpret the G321X variant as pathogenic.

NM_017780.4(CHD7):c.961G>T (p.Gly321Ter)

Gene: CHD7 (chromodomain helicase DNA binding protein 7; plus strand). Cytogenetic location: 8q12.2.
Variant type: single nucleotide variant.
Coding change: c.961G>T on transcript NM_017780.4 (MANE Select); coding-DNA position 961, G replaced by T.
Protein change: p.Gly321Ter; replaces glycine 321 with a stop codon.
Molecular consequence: nonsense.
Genome position (GRCh38, 1-based): chr8:60,742,393, G>T. VCF-style: chr8-60742393-G-T. GRCh37 (hg19) VCF-style: chr8-61654952-G-T.
Other names: c.961G>T (LRG_176t1); c.961G>T, p.Gly321Ter (NM_001316690.1); short protein forms G321*.
Identifiers: ClinVar variation 419619 (VCV000419619.3), dbSNP rs1064793994, ClinGen allele CA16618652.